The following is an entry in ClinVar:

ClinVar aggregate classification (germline): Pathogenic. Review status: criteria provided, multiple submitters, no conflicts (2 of 4 stars). 13 submissions from 13 submitters: Pathogenic (9). 4 of the submissions do not count toward it. Last evaluated 2026-01-11.

Conditions:
CYP27A1-related disorder. Also called: CYP27A1-related condition.
Cholestanol storage disease (CTX). Also called: CEREBRAL CHOLESTERINOSIS; Cerebrotendinous Xanthomatosis; CTX: Cerebrotendinous xanthomatosis. Identifiers: Orphanet 909, MedGen C0238052, MONDO:0008948, OMIM 213700.

Allele frequency attached by ClinVar (database versions not stated): ExAC 0.00002; TOPMed 0.00004; gnomAD 0.00003; gnomAD exomes 0.00002.

Submissions (13):

Labcorp Genetics (formerly Invitae), Labcorp
Classification: Pathogenic for Cholestanol storage disease. Last evaluated: 2026-01-11. Review status: criteria provided, single submitter. Criteria: Invitae Variant Classification Sherloc (09022015). Collection method: clinical testing. Allele origin: germline.
Comment: This sequence change replaces arginine, which is basic and polar, with glutamine, which is neutral and polar, at codon 474 of the CYP27A1 protein (p.Arg474Gln). This variant is present in population databases (rs121908097, gnomAD 0.006%). This missense change has been observed in individual(s) with cerebrotendinous xanthomatosis (PMID: 7915755, 28894950, 29434128). This variant is also known as 441 [CGG (Arg) to CAG (Gln)] and Arg441->Gln. ClinVar contains an entry for this variant (Variation ID: 4258). Invitae Evidence Modeling of protein sequence and biophysical properties (such as structural, functional, and spatial information, amino acid conservation, physicochemical variation, residue mobility, and thermodynamic stability) indicates that this missense variant is expected to disrupt CYP27A1 protein function with a positive predictive value of 95%. This variant disrupts the p.Arg474 amino acid residue in CYP27A1. Other variant(s) that disrupt this residue have been determined to be pathogenic (PMID: 7915755, 10406988, 12270007, 17319284). This suggests that this residue is clinically significant, and that variants that disrupt this residue are likely to be disease-causing. For these reasons, this variant has been classified as Pathogenic.

Natera, Inc.
Classification: Pathogenic for Cerebrotendinous xanthomatosis. Last evaluated: 2025-03-17. Review status: criteria provided, single submitter. Criteria: Natera Variant Classification Schema (03/2026). Collection method: clinical testing. Allele origin: germline.
Comment: The c.1421G>A variant in CYP27A1 is a missense variant predicted to cause substitution of arginine to glutamine at amino acid 474. This variant is rare in the general population with a frequency below the threshold expected for the associated phenotype(s). This variant has been observed in one or more individuals affected with the associated recessive disease, as either homozygous or compound heterozygous with a second variant (PMID: 33414089). Computational prediction algorithms indicate this variant is likely to affect gene or protein function. Given the available evidence, this variant is classified as Pathogenic.

Women's Health and Genetics/Laboratory Corporation of America, LabCorp
Classification: Pathogenic for Cholestanol storage disease. Last evaluated: 2024-07-30. Review status: criteria provided, single submitter. Criteria: LabCorp Variant Classification Summary - May 2015. Collection method: clinical testing. Allele origin: germline.
Comment: Variant summary: CYP27A1 c.1421G>A (p.Arg474Gln) results in a conservative amino acid change in the encoded protein sequence. Four of five in-silico tools predict a damaging effect of the variant on protein function. The variant allele was found at a frequency of 1.6e-05 in 250508 control chromosomes (gnomAD). c.1421G>A has been reported in the literature in multiple individuals affected with Cerebrotendinous Xanthomatosis (Kim_1994, Badura-Stronka_2021). These data indicate that the variant is very likely to be associated with disease. At least one publication reports experimental evidence evaluating an impact on protein function and this variant results in reducing enzyme activity in fibroblasts (Kim_1994). ClinVar contains an entry for this variant (Variation ID: 4258). The following publications have been ascertained in the context of this evaluation (PMID: 34689324, 7915755). Based on the evidence outlined above, the variant was classified as pathogenic.

Fulgent Genetics
Classification: Pathogenic for Cholestanol storage disease. Last evaluated: 2024-01-28. Review status: criteria provided, single submitter. Criteria: ACMG Guidelines, 2015. Collection method: clinical testing. Allele origin: germline.

GeneDx
Classification: Pathogenic. Last evaluated: 2023-12-28. Review status: criteria provided, single submitter. Criteria: GeneDx Variant Classification Process June 2021. Collection method: clinical testing. Allele origin: germline. Affected: yes.
Comment: Functional studies showed undetectable enzyme activity in the skin fibroblasts of patients homozygous for the R474Q variant (PMID: 7915755); In silico analysis supports that this missense variant has a deleterious effect on protein structure/function; This variant is associated with the following publications: (PMID: 16816916, 29434128, 32344004, 30891321, 28894950, 25447658, 7915755, 31589614, 34493867, 2072121, 36312475, 37970240, 33967188, 33977023, 9186905, 20558929, 34479889, 33414089)

PreventionGenetics, part of Exact Sciences
Classification: Pathogenic for CYP27A1-related condition. Last evaluated: 2023-02-19. Review status: criteria provided, single submitter. Criteria: ACMG Guidelines, 2015. Collection method: clinical testing. Allele origin: germline.
Comment: The CYP27A1 c.1421G>A variant is predicted to result in the amino acid substitution p.Arg474Gln. This variant, also described as Arg441->Gln, has been reported in the homozygous, compound heterozygous and heterozygous states in multiple unrelated individuals with cerebrotendinous xanthomatosis (Table 1, Kim KS et al 1994. PubMed ID: 7915755; Table 1, Stelten BML et al 2017. PubMed ID: 28894950; Sasamura A et al 2018. PubMed ID: 29434128; Miyamoto M et al 2019. PubMed ID: 30891321). A study of skin fibroblasts derived from an individual homozygous for this variant showed reduced sterol 27-hydroxylase activity (>98%) compared to control (Table 1, Kim KS et al 1994. PubMed ID: 7915755). Other missense variants at this residue (p.Arg474) have been reported in individuals with cerebrotendinous xanthomatosis suggesting that this amino acid position is critical to enzyme function (Table 1, Kim KS et al 1994. PubMed ID: 7915755; Nozue T et al 2010. PubMed ID: 20558929). This variant is reported in 0.0054% of alleles in individuals of East Asian descent in gnomAD. This variant is interpreted as pathogenic.

Mendelics
Classification: Pathogenic for Cholestanol storage disease. Last evaluated: 2022-05-04. Review status: criteria provided, single submitter. Criteria: Mendelics Assertion Criteria 2019. Collection method: clinical testing. Allele origin: germline.

Genetics and Genomic Medicine Centre, NeuroGen Healthcare, NeuroGen Healthcare
Classification: Pathogenic for Cholestanol storage disease. Last evaluated: 2020-03-23. Review status: criteria provided, single submitter. Criteria: Submitter's publication. Collection method: clinical testing. Allele origin: unknown. Affected: no.

Juno Genomics, Hangzhou Juno Genomics, Inc
Classification: Pathogenic for Cholestanol storage disease. Review status: criteria provided, single submitter. Criteria: ACMG Guidelines, 2015. Collection method: clinical testing. Allele origin: germline.
Comment: Absent from controls (or at extremely low frequency if recessive) in Genome Aggregation Database.;Multiple lines of computational evidence support a deleterious effect on the gene or gene product.;Novel missense change at an amino acid residue where a different missense change determined to be pathogenic has been seen before.;For recessive disorders, detected in trans with a pathogenic variant.;Patient's phenotype or family history is highly specific for a disease with a single genetic etiology.

GeneReviews
Classification: Pathogenic for Cerebrotendinous Xanthomatosis. Last evaluated: 2013-08-01. Review status: no assertion criteria provided. Collection method: curation. Allele origin: unknown. Not counted in ClinVar's aggregate classification.
ClinVar note: Converted during submission from pathologic to Pathogenic.

OMIM
Classification: Pathogenic for CEREBROTENDINOUS XANTHOMATOSIS. Last evaluated: 1994-06-01. Review status: no assertion criteria provided. Collection method: literature only. Allele origin: germline. Not counted in ClinVar's aggregate classification.

Clinical Genetics, Academic Medical Center
Classification: Pathogenic. Review status: no assertion criteria provided. Collection method: clinical testing. Allele origin: germline. Affected: yes. Study: VKGL Data-share Consensus. Not counted in ClinVar's aggregate classification.

Joint Genome Diagnostic Labs from Nijmegen and Maastricht, Radboudumc and MUMC+
Classification: Pathogenic. Review status: no assertion criteria provided. Collection method: clinical testing. Allele origin: germline. Affected: yes. Study: VKGL Data-share Consensus. Not counted in ClinVar's aggregate classification.

Literature cited by the submitters: PubMed 7915755 (cited by 3 submitters); PubMed 28894950 (cited by Labcorp Genetics (formerly Invitae), Labcorp); PubMed 29434128 (cited by Labcorp Genetics (formerly Invitae), Labcorp); PubMed 10406988 (cited by Labcorp Genetics (formerly Invitae), Labcorp); PubMed 12270007 (cited by Labcorp Genetics (formerly Invitae), Labcorp); PubMed 17319284 (cited by Labcorp Genetics (formerly Invitae), Labcorp); PubMed 33414089 (cited by Natera, Inc.); PubMed 34689324 (cited by Women's Health and Genetics/Laboratory Corporation of America, LabCorp).

NM_000784.4(CYP27A1):c.1421G>A (p.Arg474Gln)

Gene: CYP27A1 (cytochrome P450 family 27 subfamily A member 1; plus strand). Cytogenetic location: 2q35.
Variant type: single nucleotide variant.
Coding change: c.1421G>A on transcript NM_000784.4 (MANE Select); coding-DNA position 1421, G replaced by A.
Protein change: p.Arg474Gln; replaces arginine 474 with glutamine.
Molecular consequence: missense variant.
Genome position (GRCh38, 1-based): chr2:218,814,702, G>A. VCF-style: chr2-218814702-G-A. GRCh37 (hg19) VCF-style: chr2-219679425-G-A.
Other names: R441Q; c.1421G>A; short protein forms R474Q.
Identifiers: ClinVar variation 4258 (VCV000004258.31), dbSNP rs121908097, ClinGen allele CA340214.